The following is an entry in ClinVar:

NM_021961.6(TEAD1):c.541C>T (p.Pro181Ser)

Gene: TEAD1 (TEA domain transcription factor 1; plus strand). Cytogenetic location: 11p15.3.
Variant type: single nucleotide variant.
Coding change: c.541C>T on transcript NM_021961.6 (MANE Select); coding-DNA position 541, C replaced by T.
Protein change: p.Pro181Ser; replaces proline 181 with serine.
Molecular consequence: missense variant.
Genome position (GRCh38, 1-based): chr11:12,881,924, C>T. VCF-style: chr11-12881924-C-T. GRCh37 (hg19) VCF-style: chr11-12903471-C-T.
Other names: short protein forms P181S.
Identifiers: ClinVar variation 3000021 (VCV003000021.3), dbSNP rs866091452, ClinGen allele CA217826273.

ClinVar aggregate classification (germline): Uncertain significance (1 of 4 stars; one submission).

Allele frequency attached by ClinVar (database versions not stated): gnomAD exomes below 0.00001.
gnomAD v4.1: 6 of 1,614,192 alleles (0.00037%); highest among the groups gnomAD compares: Middle Eastern, 0.082%; no homozygotes.

Submission:

Labcorp Genetics (formerly Invitae), Labcorp
Classification: Uncertain significance. Last evaluated: 2023-09-11. Review status: criteria provided, single submitter. Criteria: Invitae Variant Classification Sherloc (09022015). Collection method: clinical testing. Allele origin: germline.
Comment: In summary, the available evidence is currently insufficient to determine the role of this variant in disease. Therefore, it has been classified as a Variant of Uncertain Significance. Advanced modeling of protein sequence and biophysical properties (such as structural, functional, and spatial information, amino acid conservation, physicochemical variation, residue mobility, and thermodynamic stability) performed at Invitae indicates that this missense variant is not expected to disrupt TEAD1 protein function. This variant has not been reported in the literature in individuals affected with TEAD1-related conditions. This variant is not present in population databases (gnomAD no frequency). This sequence change replaces proline, which is neutral and non-polar, with serine, which is neutral and polar, at codon 181 of the TEAD1 protein (p.Pro181Ser).